The following is an entry in ClinVar:

NM_001089.3(ABCA3):c.1687G>A (p.Val563Ile)

Gene: ABCA3 (ATP binding cassette subfamily A member 3; minus strand). Cytogenetic location: 16p13.3.
Variant type: single nucleotide variant.
Coding change: c.1687G>A on transcript NM_001089.3 (MANE Select); coding-DNA position 1687, G replaced by A.
Protein change: p.Val563Ile; replaces valine 563 with isoleucine.
Molecular consequence: missense variant.
Genome position (GRCh38, 1-based): chr16:2,299,457, C>T on the plus strand (G>A on the coding strand, the complement: ABCA3 is on the minus strand). VCF-style: chr16-2299457-C-T. GRCh37 (hg19) VCF-style: chr16-2349458-C-T.
Other names: short protein forms V563I.
Identifiers: ClinVar variation 888168 (VCV000888168.10), dbSNP rs570927625, ClinGen allele CA7841140.

ClinVar aggregate classification (germline): Likely benign. Review status: criteria provided, multiple submitters, no conflicts (2 of 4 stars). 3 submissions from 3 submitters: Likely benign (3). Last evaluated 2026-02-04.

Conditions:
Interstitial lung disease due to ABCA3 deficiency. Also called: PULMONARY ALVEOLAR PROTEINOSIS, CONGENITAL, 3. Identifiers: Orphanet 440402, MedGen C1970456, MONDO:0012582, OMIM 610921.
Hereditary pulmonary alveolar proteinosis. Also called: Pulmonary surfactant metabolism dysfunction. Identifiers: Orphanet 264675, MedGen C3711368, MONDO:0012580.

Allele frequency attached by ClinVar (database versions not stated): gnomAD 0.00001 and 0.00015; TOPMed 0.00002; gnomAD exomes 0.00027 and 0.00047; 1000 Genomes Project 30x 0.00031; 1000 Genomes Project 0.00040; ExAC 0.00054.
gnomAD v4.1: 417 of 1,613,890 alleles (0.026%); highest among the groups gnomAD compares: South Asian, 0.41%; 4 homozygotes.

Submissions (3):

Labcorp Genetics (formerly Invitae), Labcorp
Classification: Likely benign. Last evaluated: 2026-02-04. Review status: criteria provided, single submitter. Criteria: Invitae Variant Classification Sherloc (09022015). Collection method: clinical testing. Allele origin: germline.

Ambry Genetics
Classification: Likely benign for Hereditary pulmonary alveolar proteinosis. Last evaluated: 2026-02-03. Review status: criteria provided, single submitter. Criteria: Ambry Variant Classification Scheme 2023. Collection method: clinical testing. Allele origin: germline.

Illumina Laboratory Services, Illumina
Classification: Likely benign for Interstitial lung disease due to ABCA3 deficiency. Last evaluated: 2018-01-13. Review status: criteria provided, single submitter. Criteria: ICSL Variant Classification Criteria 13 December 2019. Collection method: clinical testing. Allele origin: germline.
Comment: This variant was observed in the ICSL laboratory as part of a predisposition screen in an ostensibly healthy population. It had not been previously curated by ICSL or reported in the Human Gene Mutation Database (HGMD: prior to June 1st, 2018), and was therefore a candidate for classification through an automated scoring system. Utilizing variant allele frequency, disease prevalence and penetrance estimates, and inheritance mode, an automated score was calculated to assess if this variant is too frequent to cause the disease. Based on the score and internal cut-off values, a variant classified as likely benign is not then subjected to further curation. The score for this variant resulted in a classification of likely benign for this disease.